The following is an entry in ClinVar:

ClinVar aggregate classification (germline): Likely pathogenic (1 of 4 stars; one submission).

Conditions:
SCN1A-related disorder. Also called: SCN1A-related conditions; SCN1A-related condition; SCN1A-related disorders.

Submission:

3billion
Classification: Likely pathogenic for SCN1A-related disorder. Last evaluated: 2024-07-31. Review status: criteria provided, single submitter. Criteria: ACMG Guidelines, 2015. Collection method: clinical testing. Allele origin: germline. Affected: yes.
Comment: The variant is not observed in the gnomAD v4.0.0 dataset. Predicted Consequence/Location: Frameshift: predicted to result in a loss or disruption of normal protein function through nonsense-mediated decay (NMD) or protein truncation. Multiple pathogenic variants are reported downstream of the variant. Therefore, this variant is classified as Likely pathogenic according to the recommendation of ACMG/AMP guideline.

NM_001165963.4(SCN1A):c.3849_3859del (p.Trp1284fs)

Genes: SCN1A (sodium voltage-gated channel alpha subunit 1; minus strand), LOC102724058 (uncharacterized LOC102724058; plus strand). Cytogenetic location: 2q24.3.
Variant type: Deletion.
Coding change: c.3849_3859del on transcript NM_001165963.4 (MANE Select); coding-DNA positions 3849 to 3859, 11 bases deleted (CTGGTGTTGGC).
Protein change: p.Trp1284fs; shifts the reading frame from tryptophan 1284.
Molecular consequence: frameshift variant. On other transcripts: non-coding transcript variant (1).
Genome position (GRCh38, 1-based): chr2:166,012,129-166,012,139, GCCAACACCAG deleted on the plus strand (CTGGTGTTGGC on the coding strand, the reverse complement: SCN1A is on the minus strand); deleting any 11 consecutive bases within chr2:166,012,129-166,012,141 gives the same sequence; the c. name uses the placement nearest the transcript's 3' end. VCF-style (leftmost placement, unchanged base first): chr2-166012128-AGCCAACACCAG-A. GRCh37 (hg19) VCF-style: chr2-166868638-AGCCAACACCAG-A.
Other names: c.3765_3775del, p.Trp1256fs (NM_001165964.3, NM_001353957.2, NM_001353958.2); c.3849_3859del, p.Trp1284fs (NM_001202435.3, NM_001353948.2); c.3816_3826del, p.Trp1273fs (NM_001353949.2, NM_001353950.2, NM_001353951.2 and 2 more transcripts); c.3813_3823del, p.Trp1272fs (NM_001353954.2, NM_001353955.2); c.3762_3772del, p.Trp1255fs (NM_001353960.2); c.1407_1417del, p.Trp470fs (NM_001353961.2); short protein forms W1255fs, W1256fs, W1272fs, W1273fs, W1284fs, W470fs.
Identifiers: ClinVar variation 4292012 (VCV004292012.1).
Genomic context (GRCh38, chr2:166,012,128, plus strand): 5'-AAGCTACCTTGAACAGAGACAAAAATATGAACGATACCTACATCAACAATTAAGAAGTCC[AGCCAACACCAG>A]GCATTGGTGAAATATGTTTGATAGCCATATGCCACCCATTTTAGAAGCATTTCCAGAATG-3'